The following is an entry in ClinVar:

NM_000038.6(APC):c.1672A>G (p.Asn558Asp)

Gene: APC (APC regulator of Wnt signaling pathway; plus strand). Cytogenetic location: 5q22.2.
Variant type: single nucleotide variant.
Coding change: c.1672A>G on transcript NM_000038.6 (MANE Select); coding-DNA position 1672, A replaced by G.
Protein change: p.Asn558Asp; replaces asparagine 558 with aspartic acid.
Molecular consequence: missense variant.
Genome position (GRCh38, 1-based): chr5:112,828,901, A>G. VCF-style: chr5-112828901-A-G. GRCh37 (hg19) VCF-style: chr5-112164598-A-G.
Other names: c.1672A>G, p.Asn558Asp (NM_001127510.3, NM_001354895.2, NM_001407450.1); c.1618A>G, p.Asn540Asp (NM_001127511.3); c.1726A>G, p.Asn576Asp (NM_001354896.2, NM_001407447.1, NM_001407448.1 and 1 more transcripts); c.1702A>G, p.Asn568Asp (NM_001354897.2); c.1597A>G, p.Asn533Asp (NM_001354898.2); c.1588A>G, p.Asn530Asp (NM_001354899.2); c.1549A>G, p.Asn517Asp (NM_001354900.2); c.1495A>G, p.Asn499Asp (NM_001354901.2, NM_001407453.1); and 11 more; short protein forms N174D, N398D, N432D, N457D, N467D, N530D, N533D, N551D.
Identifiers: ClinVar variation 3411844 (VCV003411844.1).
Genomic context (GRCh38, chr5:112,828,901, plus strand): 5'-TTGATTAATTTGCAGGTTATTGCGAGTGTTTTGAGGAATTTGTCTTGGCGAGCAGATGTA[A>G]ATAGTAAAAAGACGTTGCGAGAAGTTGGAAGTGTGAAAGCATTGATGGAATGTGCTTTAG-3'
Protein context (NP_000029.2, residues 548-568): LRNLSWRADV[Asn558Asp]SKKTLREVGS

ClinVar aggregate classification (germline): Uncertain significance (1 of 4 stars; one submission).

Conditions:
Hereditary cancer-predisposing syndrome. Also called: Neoplastic Syndromes, Hereditary; Tumor predisposition; Hereditary Cancer Syndrome; Hereditary neoplastic syndrome. Identifiers: Orphanet 140162, MedGen C0027672, MeSH D009386, MONDO:0015356.

Submission:

Ambry Genetics
Classification: Uncertain significance for Hereditary cancer-predisposing syndrome. Last evaluated: 2024-10-21. Review status: criteria provided, single submitter. Criteria: Ambry Variant Classification Scheme 2023. Collection method: clinical testing. Allele origin: germline.
Comment: The p.N558D variant (also known as c.1672A>G), located in coding exon 13 of the APC gene, results from an A to G substitution at nucleotide position 1672. The asparagine at codon 558 is replaced by aspartic acid, an amino acid with highly similar properties. This amino acid position is conserved. In addition, in silico predictors for this gene do not accurately predict pathogenicity. Based on the available evidence, the clinical significance of this variant remains unclear.